The following is an entry in ClinVar:

ClinVar aggregate classification (germline): Likely pathogenic (1 of 4 stars; one submission).

Conditions:
Autosomal recessive hypophosphatemic bone disease (HHRH). Also called: HYPERCALCIURIC RICKETS; Hypophosphatemic rickets with hypercalciuria. Identifiers: Orphanet 157215, MedGen C1853271, MONDO:0009431, OMIM 241530.

Allele frequency attached by ClinVar (database versions not stated): gnomAD exomes below 0.00001.
gnomAD v4.1: 3 of 1,612,418 alleles (0.00019%); highest among the groups gnomAD compares: Non-Finnish European, 0.00025%; no homozygotes.

Submission:

MVZ Medizinische Genetik Mainz
Classification: Likely pathogenic for Autosomal recessive hypophosphatemic bone disease. Last evaluated: 2024-03-15. Review status: criteria provided, single submitter. Criteria: UK Practice Guidelines For Variant Classification V4 01 2020. Collection method: clinical testing. Allele origin: germline. Inheritance: Autosomal recessive inheritance. Affected: yes. Observed: 1 variant allele.
Comment: ACMG Criteria: PP3_STR,PM2_SUP,PM3_SUP,PP4

NM_001177316.2(SLC34A3):c.1256G>A (p.Gly419Asp)

Gene: SLC34A3 (solute carrier family 34 member 3; plus strand). Cytogenetic location: 9q34.3.
Variant type: single nucleotide variant.
Coding change: c.1256G>A on transcript NM_001177316.2 (MANE Select); coding-DNA position 1256, G replaced by A.
Protein change: p.Gly419Asp; replaces glycine 419 with aspartic acid.
Molecular consequence: missense variant.
Genome position (GRCh38, 1-based): chr9:137,234,652, G>A. VCF-style: chr9-137234652-G-A. GRCh37 (hg19) VCF-style: chr9-140129104-G-A.
Other names: c.1256G>A, p.Gly419Asp (NM_001177317.2, NM_080877.3); short protein forms G419D.
Identifiers: ClinVar variation 3236755 (VCV003236755.1), dbSNP rs2538815347.